The following is an entry in ClinVar:

ClinVar aggregate classification (germline): Uncertain significance (1 of 4 stars; one submission).

Conditions:
Werner syndrome (WRN). Identifiers: Orphanet 902, MedGen C0043119, MONDO:0010196, OMIM 277700.

gnomAD v4.1: 1 of 1,578,860 alleles (0.000063%); highest among the groups gnomAD compares: Non-Finnish European, 0.000087%; no homozygotes.

Submission:

Labcorp Genetics (formerly Invitae), Labcorp
Classification: Uncertain significance for Werner syndrome. Last evaluated: 2019-03-05. Review status: criteria provided, single submitter. Criteria: Invitae Variant Classification Sherloc (09022015). Collection method: clinical testing. Allele origin: germline.
Comment: This sequence change replaces serine with cysteine at codon 1128 of the WRN protein (p.Ser1128Cys). The serine residue is highly conserved and there is a moderate physicochemical difference between serine and cysteine. This variant is not present in population databases (ExAC no frequency). This variant has not been reported in the literature in individuals with WRN-related conditions. Algorithms developed to predict the effect of missense changes on protein structure and function (SIFT, PolyPhen-2, Align-GVGD) all suggest that this variant is likely to be disruptive, but these predictions have not been confirmed by published functional studies and their clinical significance is uncertain. Algorithms developed to predict the effect of sequence changes on RNA splicing suggest that this variant may disrupt the consensus splice site, but this prediction has not been confirmed by published transcriptional studies. In summary, the available evidence is currently insufficient to determine the role of this variant in disease. Therefore, it has been classified as a Variant of Uncertain Significance.

NM_000553.6(WRN):c.3382A>T (p.Ser1128Cys)

Gene: WRN (WRN RecQ like helicase; plus strand). Cytogenetic location: 8p12.
Variant type: single nucleotide variant.
Coding change: c.3382A>T on transcript NM_000553.6 (MANE Select); coding-DNA position 3382, A replaced by T.
Protein change: p.Ser1128Cys; replaces serine 1128 with cysteine.
Molecular consequence: missense variant.
Genome position (GRCh38, 1-based): chr8:31,143,622, A>T. VCF-style: chr8-31143622-A-T. GRCh37 (hg19) VCF-style: chr8-31001138-A-T.
Other names: short protein forms S1128C.
Identifiers: ClinVar variation 839924 (VCV000839924.5), dbSNP rs1169330916, ClinGen allele CA370924252.